The following is an entry in ClinVar:

NM_000091.5(COL4A3):c.73C>T (p.Pro25Ser)

Genes: COL4A3 (collagen type IV alpha 3 chain; plus strand), LOC129935730 (ATAC-STARR-seq lymphoblastoid silent region 12397; plus strand). Cytogenetic location: 2q36.3.
Variant type: single nucleotide variant.
Coding change: c.73C>T on transcript NM_000091.5 (MANE Select); coding-DNA position 73, C replaced by T.
Protein change: p.Pro25Ser; replaces proline 25 with serine.
Molecular consequence: missense variant.
Genome position (GRCh38, 1-based): chr2:227,164,799, C>T. VCF-style: chr2-227164799-C-T. GRCh37 (hg19) VCF-style: chr2-228029515-C-T.
Other names: short protein forms P25S.
Identifiers: ClinVar variation 255004 (VCV000255004.21), dbSNP rs139271412, ClinGen allele CA2145895.

ClinVar aggregate classification (germline): Benign/Likely benign. Review status: criteria provided, multiple submitters, no conflicts (2 of 4 stars). 8 submissions from 8 submitters: Benign (6); Likely benign (1). 1 of the submissions does not count toward it. Last evaluated 2026-01-26.

Conditions:
Kidney disorder. Also called: Nephropathy; Kidney disease; Kidney Diseases; renal disorder; renal disease. Identifiers: MedGen C0022658, MONDO:0005240, HP:0000112.
Alport syndrome. Also called: Hemorrhagic familial nephritis; Hemorrhagic hereditary nephritis; Congenital hereditary hematuria. Identifiers: Orphanet 63, MedGen C1567741, MONDO:0018965.

Allele frequency attached by ClinVar (database versions not stated): ExAC 0.00066; gnomAD exomes 0.00080 and 0.00146; gnomAD 0.00892 and 0.00952; TOPMed 0.01037; 1000 Genomes Project 0.01138; 1000 Genomes Project 30x 0.01218.
gnomAD v4.1: 2,499 of 1,518,396 alleles (0.16%); highest among the groups gnomAD compares: African/African-American, 3.1%; 38 homozygotes.

Submissions (8):

Labcorp Genetics (formerly Invitae), Labcorp
Classification: Benign. Last evaluated: 2026-01-26. Review status: criteria provided, single submitter. Criteria: Invitae Variant Classification Sherloc (09022015). Collection method: clinical testing. Allele origin: germline.

Women's Health and Genetics/Laboratory Corporation of America, LabCorp
Classification: Benign. Last evaluated: 2020-06-26. Review status: criteria provided, single submitter. Criteria: LabCorp Variant Classification Summary - May 2015. Collection method: clinical testing. Allele origin: germline.
Comment: Variant summary: COL4A3 c.73C>T (p.Pro25Ser) results in a non-conservative amino acid change in the encoded protein sequence. Four of five in-silico tools predict a benign effect of the variant on protein function. The variant allele was found at a frequency of 0.0015 in 113982 control chromosomes, predominantly at a frequency of 0.04 within the African or African-American subpopulation in the gnomAD database, including 3 homozygotes. The observed variant frequency within African or African-American control individuals in the gnomAD database is approximately 20 fold of the estimated maximal expected allele frequency for a pathogenic variant in COL4A3 causing Alport Syndrome, Autosomal Recessive phenotype (0.0019), strongly suggesting that the variant is a benign polymorphism found primarily in populations of African or African-American origin. To our knowledge, no occurrence of c.73C>T in individuals affected with Alport Syndrome, Autosomal Recessive and no experimental evidence demonstrating its impact on protein function have been reported. Three clinical diagnostic laboratories have submitted clinical-significance assessments for this variant to ClinVar after 2014 without evidence for independent evaluation. All laboratories classified the variant as benign. Based on the evidence outlined above, the variant was classified as benign.

Genome Diagnostics Laboratory, The Hospital for Sick Children
Classification: Likely benign for Kidney disorder. Last evaluated: 2020-03-01. Review status: criteria provided, single submitter. Criteria: ACMG Guidelines, 2015. Collection method: clinical testing. Allele origin: germline.

GeneDx
Classification: Benign. Last evaluated: 2018-02-19. Review status: criteria provided, single submitter. Criteria: GeneDx Variant Classification (06012015). Collection method: clinical testing. Allele origin: germline. Affected: yes.
Comment: This variant is considered likely benign or benign based on one or more of the following criteria: it is a conservative change, it occurs at a poorly conserved position in the protein, it is predicted to be benign by multiple in silico algorithms, and/or has population frequency not consistent with disease.

Laboratory for Molecular Medicine, Mass General Brigham Personalized Medicine
Classification: Benign. Last evaluated: 2016-03-21. Review status: criteria provided, single submitter. Criteria: LMM Criteria. Collection method: clinical testing. Allele origin: germline. Observed: 2 variant alleles.
Comment: p.Pro25Ser in exon 1 of COL4A3: This variant is not expected to have clinical si gnificance because it has been identified in 4.31% (57/1322) of African chromoso mes by the 1000 Genomes Project (Phase 3; dbSNP rs139271412).

Breakthrough Genomics
Classification: Benign. Review status: criteria provided, single submitter. Criteria: ACMG Guidelines, 2015. Collection method: not provided. Allele origin: germline. Inheritance: Autosomal recessive inheritance. Affected: yes.

PreventionGenetics, part of Exact Sciences
Classification: Benign. Review status: criteria provided, single submitter. Criteria: ACMG Guidelines, 2015. Collection method: clinical testing. Allele origin: germline.

Natera, Inc.
Classification: Benign for Alport syndrome. Last evaluated: 2020-09-16. Review status: no assertion criteria provided. Collection method: clinical testing. Allele origin: germline. Not counted in ClinVar's aggregate classification.